The following is an entry in ClinVar:

NM_024537.4(CARS2):c.1692_1693insGG (p.Ter565GlyextTer?)

Gene: CARS2 (cysteinyl-tRNA synthetase 2, mitochondrial; minus strand). Cytogenetic location: 13q34.
Variant type: Insertion.
Coding change: c.1692_1693insGG on transcript NM_024537.4 (MANE Select); coding-DNA positions 1692 to 1693, GG inserted.
Protein change: p.Ter565GlyextTer?.
Molecular consequence: frameshift variant, stop lost. On other transcripts: non-coding transcript variant (2).
Genome position: GRCh38 VCF-style: chr13-110641539-A-ACC. GRCh37 (hg19) VCF-style: chr13-111293886-A-ACC.
Other names: c.906_907insGG, p.Ter303GlyextTer? (NM_001352252.2).
Identifiers: ClinVar variation 1469760 (VCV001469760.5), ClinGen allele CA2573149486.

ClinVar aggregate classification (germline): Uncertain significance (1 of 4 stars; one submission).

Conditions:
Combined oxidative phosphorylation defect type 27. Also called: Combined oxidative phosphorylation deficiency 27. Identifiers: Orphanet 477774, MedGen C5567608, MONDO:0014728, OMIM 616672.

Submission:

Labcorp Genetics (formerly Invitae), Labcorp
Classification: Uncertain significance for Combined oxidative phosphorylation defect type 27. Last evaluated: 2024-02-24. Review status: criteria provided, single submitter. Criteria: Invitae Variant Classification Sherloc (09022015). Collection method: clinical testing. Allele origin: germline.
Comment: This sequence change disrupts the translational stop signal of the CARS2 mRNA. It is expected to extend the length of the CARS2 protein by 7 additional amino acid residues. This variant is not present in population databases (gnomAD no frequency). This variant has not been reported in the literature in individuals affected with CARS2-related conditions. ClinVar contains an entry for this variant (Variation ID: 1469760). In summary, the available evidence is currently insufficient to determine the role of this variant in disease. Therefore, it has been classified as a Variant of Uncertain Significance.